The following is an entry in ClinVar:

ClinVar aggregate classification (germline): Likely benign. Review status: criteria provided, single submitter (1 of 4 stars). 2 submissions from 2 submitters: Likely benign (1). 1 of the submissions does not count toward it. Last evaluated 2024-06-22.

Conditions:
FOXF1-related disorder. Also called: FOXF1-related condition.

Allele frequency attached by ClinVar (database versions not stated): TOPMed 0.00018; gnomAD 0.00021 and 0.00022; ESP Exome Variant Server 0.00023.
gnomAD v4.1: 495 of 1,613,714 alleles (0.031%); highest among the groups gnomAD compares: Non-Finnish European, 0.04%; 1 homozygote.

Submissions (2):

Labcorp Genetics (formerly Invitae), Labcorp
Classification: Likely benign. Last evaluated: 2024-06-22. Review status: criteria provided, single submitter. Criteria: Invitae Variant Classification Sherloc (09022015). Collection method: clinical testing. Allele origin: germline.

PreventionGenetics, part of Exact Sciences
Classification: Likely benign for FOXF1-related condition. Last evaluated: 2019-03-27. Review status: no assertion criteria provided. Collection method: clinical testing. Allele origin: germline. Not counted in ClinVar's aggregate classification.
Comment: This variant is classified as likely benign based on ACMG/AMP sequence variant interpretation guidelines (Richards et al. 2015 PMID: 25741868, with internal and published modifications).

NM_001451.3(FOXF1):c.348C>T (p.Pro116=)

Gene: FOXF1 (forkhead box F1; plus strand). Cytogenetic location: 16q24.1.
Variant type: single nucleotide variant.
Coding change: c.348C>T on transcript NM_001451.3 (MANE Select); coding-DNA position 348, C replaced by T.
Protein change: p.Pro116=; no amino-acid change (proline 116 retained).
Molecular consequence: synonymous variant.
Genome position (GRCh38, 1-based): chr16:86,510,917, C>T. VCF-style: chr16-86510917-C-T. GRCh37 (hg19) VCF-style: chr16-86544523-C-T.
Identifiers: ClinVar variation 750896 (VCV000750896.8), dbSNP rs111830706, ClinGen allele CA8217383.